The following is an entry in ClinVar:

ClinVar aggregate classification (germline): Pathogenic (1 of 4 stars; one submission).

Submission:

Labcorp Genetics (formerly Invitae), Labcorp
Classification: Pathogenic. Last evaluated: 2024-06-10. Review status: criteria provided, single submitter. Criteria: Invitae Variant Classification Sherloc (09022015). Collection method: clinical testing. Allele origin: germline.
Comment: This sequence change creates a premature translational stop signal (p.His1515Glnfs*121) in the ARID1B gene. It is expected to result in an absent or disrupted protein product. Loss-of-function variants in ARID1B are known to be pathogenic (PMID: 25674384, 30349098). This variant is not present in population databases (gnomAD no frequency). This variant has not been reported in the literature in individuals affected with ARID1B-related conditions. For these reasons, this variant has been classified as Pathogenic.

Literature cited by the submitters: PubMed 25674384; PubMed 30349098.

NM_001374828.1(ARID1B):c.4913dup (p.His1638fs)

Gene: ARID1B (AT-rich interaction domain 1B; plus strand). Cytogenetic location: 6q25.3.
Variant type: Duplication.
Coding change: c.4913dup on transcript NM_001374828.1 (MANE Select); coding-DNA position 4913, one base duplicated (A; older notation c.4913dupA).
Protein change: p.His1638fs; shifts the reading frame from histidine 1638.
Molecular consequence: frameshift variant.
Genome position (GRCh38, 1-based): chr6:157,201,138, A duplicated. VCF-style (leftmost placement, unchanged base first): chr6-157201137-C-CA. GRCh37 (hg19) VCF-style: chr6-157522271-C-CA.
Other names: c.2414dup, p.His805fs (NM_001363725.2); c.4793dup, p.His1598fs (NM_001371656.1, NM_001374820.1); c.4754dup, p.His1585fs (NM_017519.3); short protein forms H1598fs, H1585fs, H1638fs, H805fs.
Identifiers: ClinVar variation 3654117 (VCV003654117.2).